The following is an entry in ClinVar:

NM_000455.5(STK11):c.1080C>A (p.Ile360=)

Genes: STK11 (serine/threonine kinase 11; plus strand), LOC130062899 (ATAC-STARR-seq lymphoblastoid active region 13597; plus strand). Cytogenetic location: 19p13.3.
Variant type: single nucleotide variant.
Coding change: c.1080C>A on transcript NM_000455.5 (MANE Select); coding-DNA position 1080, C replaced by A.
Protein change: p.Ile360=; no amino-acid change (isoleucine 360 retained).
Molecular consequence: synonymous variant. On other transcripts: non-coding transcript variant (1).
Genome position (GRCh38, 1-based): chr19:1,223,144, C>A. VCF-style: chr19-1223144-C-A. GRCh37 (hg19) VCF-style: chr19-1223143-C-A.
Other names: c.1080C>A, p.Ile360= (NM_001407255.1).
Identifiers: ClinVar variation 3904074 (VCV003904074.1).

ClinVar aggregate classification (germline): Benign (1 of 4 stars; one submission).

Conditions:
Peutz-Jeghers syndrome (PJS). Also called: POLYPOSIS, HAMARTOMATOUS INTESTINAL; POLYPS-AND-SPOTS SYNDROME; Peutz-Jeghers polyposis; Periorificial lentiginosis syndrome. Identifiers: Orphanet 2869, MedGen C0031269, MeSH D010580, MONDO:0008280, OMIM 175200.

Submission:

Myriad Genetics, Inc.
Classification: Benign for Peutz-Jeghers syndrome. Last evaluated: 2025-03-28. Review status: criteria provided, single submitter. Criteria: Myriad Autosomal Dominant, Autosomal Recessive and X-Linked Classification Criteria (2023). Collection method: clinical testing. Allele origin: unknown.
Comment: This variant is considered benign. This variant is a silent/synonymous amino acid change and it is not expected to impact splicing.